The following is an entry in ClinVar:

NM_001034116.2(EIF2B4):c.1045G>A (p.Ala349Thr)

Genes: EIF2B4 (eukaryotic translation initiation factor 2B subunit delta; minus strand), GTF3C2-AS2 (GTF3C2 antisense RNA 2; plus strand). Cytogenetic location: 2p23.3.
Variant type: single nucleotide variant.
Coding change: c.1045G>A on transcript NM_001034116.2 (MANE Select); coding-DNA position 1045, G replaced by A.
Protein change: p.Ala349Thr; replaces alanine 349 with threonine.
Molecular consequence: missense variant.
Genome position (GRCh38, 1-based): chr2:27,366,905, C>T on the plus strand (G>A on the coding strand, the complement: EIF2B4 is on the minus strand). VCF-style: chr2-27366905-C-T. GRCh37 (hg19) VCF-style: chr2-27589772-C-T.
Other names: c.952G>A, p.Ala318Thr (NM_001318967.2); c.460G>A, p.Ala154Thr (NM_001318968.2); c.427G>A, p.Ala143Thr (NM_001318969.2); c.1042G>A, p.Ala348Thr (NM_015636.4); c.1105G>A, p.Ala369Thr (NM_172195.4); c.1108G>A, p.Ala370Thr (NM_001318965.2); c.1000G>A, p.Ala334Thr (NM_001318966.2); short protein forms A348T, A370T, A154T, A143T, A318T, A334T, A349T, A369T.
Identifiers: ClinVar variation 4017116 (VCV004017116.2).

ClinVar aggregate classification (germline): Uncertain significance. Review status: criteria provided, multiple submitters, no conflicts (2 of 4 stars). 2 submissions from 2 submitters: Uncertain significance (2). Last evaluated 2025-08-15.

Conditions:
Inborn genetic diseases. Identifiers: MedGen C0950123, MeSH D030342.

gnomAD v4.1: 2 of 1,614,162 alleles (0.00012%); highest among the groups gnomAD compares: Non-Finnish European, 0.00017%; no homozygotes.

Submissions (2):

Labcorp Genetics (formerly Invitae), Labcorp
Classification: Uncertain significance. Last evaluated: 2025-08-15. Review status: criteria provided, single submitter. Criteria: Invitae Variant Classification Sherloc (09022015). Collection method: clinical testing. Allele origin: germline.
Comment: This sequence change replaces alanine, which is neutral and non-polar, with threonine, which is neutral and polar, at codon 348 of the EIF2B4 protein (p.Ala348Thr). This variant is not present in population databases (gnomAD no frequency). This variant has not been reported in the literature in individuals affected with EIF2B4-related conditions. ClinVar contains an entry for this variant (Variation ID: 4017116). An algorithm developed to predict the effect of missense changes on protein structure and function (PolyPhen-2) suggests that this variant is likely to be disruptive. In summary, the available evidence is currently insufficient to determine the role of this variant in disease. Therefore, it has been classified as a Variant of Uncertain Significance.

Ambry Genetics
Classification: Uncertain significance for Inborn genetic diseases. Last evaluated: 2025-04-29. Review status: criteria provided, single submitter. Criteria: Ambry Variant Classification Scheme 2023. Collection method: clinical testing. Allele origin: germline.